The following is an entry in ClinVar:

ClinVar aggregate classification (germline): Uncertain significance (1 of 4 stars; one submission).

gnomAD v4.1: 1 of 1,614,152 alleles (0.000062%); highest among the groups gnomAD compares: Non-Finnish European, 0.000085%; no homozygotes.

Submission:

Labcorp Genetics (formerly Invitae), Labcorp
Classification: Uncertain significance. Last evaluated: 2025-10-26. Review status: criteria provided, single submitter. Criteria: Invitae Variant Classification Sherloc (09022015). Collection method: clinical testing. Allele origin: germline.
Comment: This sequence change replaces serine, which is neutral and polar, with threonine, which is neutral and polar, at codon 760 of the NSD1 protein (p.Ser760Thr). This variant is not present in population databases (gnomAD no frequency). This variant has not been reported in the literature in individuals affected with NSD1-related conditions. ClinVar contains an entry for this variant (Variation ID: 961346). Invitae Evidence Modeling of protein sequence and biophysical properties (such as structural, functional, and spatial information, amino acid conservation, physicochemical variation, residue mobility, and thermodynamic stability) indicates that this missense variant is not expected to disrupt NSD1 protein function with a negative predictive value of 80%. In summary, the available evidence is currently insufficient to determine the role of this variant in disease. Therefore, it has been classified as a Variant of Uncertain Significance.

NM_022455.5(NSD1):c.2279G>C (p.Ser760Thr)

Gene: NSD1 (nuclear receptor binding SET domain protein 1; plus strand). Cytogenetic location: 5q35.3.
Variant type: single nucleotide variant.
Coding change: c.2279G>C on transcript NM_022455.5 (MANE Select); coding-DNA position 2279, G replaced by C.
Protein change: p.Ser760Thr; replaces serine 760 with threonine.
Molecular consequence: missense variant.
Genome position (GRCh38, 1-based): chr5:177,210,678, G>C. VCF-style: chr5-177210678-G-C. GRCh37 (hg19) VCF-style: chr5-176637679-G-C.
Other names: c.1406G>C, p.Ser469Thr (NM_001365684.2, NM_001409306.1, NM_001409307.1 and 3 more transcripts); c.2279G>C, p.Ser760Thr (NM_001409301.1, NM_001409302.1, NM_001409303.1); c.1859G>C, p.Ser620Thr (NM_001409304.1); c.1526G>C, p.Ser509Thr (NM_001409305.1); short protein forms S491T, S760T, S469T, S509T, S620T.
Identifiers: ClinVar variation 961346 (VCV000961346.10), dbSNP rs1763266375, ClinGen allele CA362315092.